The following is an entry in ClinVar:

NM_005378.6(MYCN):c.189C>A (p.Pro63=)

Genes: MYCN (MYCN proto-oncogene, bHLH transcription factor; plus strand), MYCNOS (MYCN opposite strand; minus strand). Cytogenetic location: 2p24.3.
Variant type: single nucleotide variant.
Coding change: c.189C>A on transcript NM_005378.6 (MANE Select); coding-DNA position 189, C replaced by A.
Protein change: p.Pro63=; no amino-acid change (proline 63 retained).
Molecular consequence: synonymous variant. On other transcripts: non-coding transcript variant (1), 3 prime UTR variant (1), intron variant (1).
Genome position (GRCh38, 1-based): chr2:15,942,253, C>A. VCF-style: chr2-15942253-C-A. GRCh37 (hg19) VCF-style: chr2-16082375-C-A.
Other names: c.189C>A, p.Pro63= (NM_001293228.2); c.*124C>A (NM_001293233.2); c.157+1510C>A (NM_001293231.2).
Identifiers: ClinVar variation 797178 (VCV000797178.8), dbSNP rs573377492, ClinGen allele CA1538136.

ClinVar aggregate classification (germline): Benign/Likely benign. Review status: criteria provided, multiple submitters, no conflicts (2 of 4 stars). 3 submissions from 3 submitters: Benign (1); Likely benign (2). Last evaluated 2025-09-09.

Conditions:
MYCN-related disorder. Also called: MYCN-related condition.

Allele frequency attached by ClinVar (database versions not stated): gnomAD below 0.00001 and 0.00013; TOPMed 0.00002; gnomAD exomes 0.00063 and 0.00028; ExAC 0.00072; 1000 Genomes Project 0.00080; 1000 Genomes Project 30x 0.00062.
gnomAD v4.1: 437 of 1,612,734 alleles (0.027%); highest among the groups gnomAD compares: South Asian, 0.45%; 2 homozygotes.

Submissions (3):

Labcorp Genetics (formerly Invitae), Labcorp
Classification: Benign. Last evaluated: 2025-09-09. Review status: criteria provided, single submitter. Criteria: Invitae Variant Classification Sherloc (09022015). Collection method: clinical testing. Allele origin: germline.

PreventionGenetics, part of Exact Sciences
Classification: Likely benign for MYCN-related condition. Last evaluated: 2025-05-21. Review status: criteria provided, single submitter. Criteria: ACMG Guidelines, 2015. Collection method: clinical testing. Allele origin: germline.
Comment: This variant is classified as likely benign based on ACMG/AMP sequence variant interpretation guidelines (Richards et al. 2015 PMID: 25741868, with internal and published modifications).

Blueprint Genetics
Classification: Likely benign. Last evaluated: 2024-07-09. Review status: criteria provided, single submitter. Criteria: ACMG Guidelines, 2015. Collection method: clinical testing. Allele origin: germline.